The following is an entry in ClinVar:

NM_000321.3(RB1):c.608-1G>A

Gene: RB1 (RB transcriptional corepressor 1; plus strand). Cytogenetic location: 13q14.2.
Variant type: single nucleotide variant.
Coding change: c.608-1G>A on transcript NM_000321.3 (MANE Select); the canonical splice acceptor site of the intron before coding-DNA position 608, G replaced by A.
Molecular consequence: splice acceptor variant.
Genome position (GRCh38, 1-based): chr13:48,360,016, G>A. VCF-style: chr13-48360016-G-A. GRCh37 (hg19) VCF-style: chr13-48934152-G-A.
Other names: c.608-1G>A (NM_001407165.1, NM_001407166.1).
Identifiers: ClinVar variation 3237141 (VCV003237141.3), dbSNP rs2138107532.

ClinVar aggregate classification (germline): Pathogenic. Review status: criteria provided, multiple submitters, no conflicts (2 of 4 stars). 2 submissions from 2 submitters: Pathogenic (2). Last evaluated 2024-09-30.

Conditions:
Retinoblastoma (RB1). Also called: RETINOBLASTOMA, SOMATIC. Identifiers: Orphanet 790, MedGen C0035335, MeSH D012175, MONDO:0008380, OMIM 180200, HP:0009919. Disease mechanism: loss of function. Inheritance: Both sporadic and heritable forms are tested..

Submissions (2):

Labcorp Genetics (formerly Invitae), Labcorp
Classification: Pathogenic for Retinoblastoma. Last evaluated: 2024-09-30. Review status: criteria provided, single submitter. Criteria: Invitae Variant Classification Sherloc (09022015). Collection method: clinical testing. Allele origin: germline.
Comment: This sequence change affects an acceptor splice site in intron 6 of the RB1 gene. It is expected to disrupt RNA splicing. Variants that disrupt the donor or acceptor splice site typically lead to a loss of protein function (PMID: 16199547), and loss-of-function variants in RB1 are known to be pathogenic (PMID: 17096365). This variant is not present in population databases (gnomAD no frequency). Disruption of this splice site has been observed in individual(s) with bilateral retinoblastoma (PMID: 12541220). This variant is also known as 746-1G>A. Algorithms developed to predict the effect of sequence changes on RNA splicing suggest that this variant may disrupt the consensus splice site. For these reasons, this variant has been classified as Pathogenic.

Genetic Diagnostic Laboratory, University of Pennsylvania School of Medicine
Classification: Pathogenic for Retinoblastoma. Last evaluated: 2024-05-20. Review status: criteria provided, single submitter. Criteria: ACMG Guidelines, 2015. Collection method: clinical testing. Allele origin: germline. Affected: yes. Observed: 2 variant alleles.
Comment: Case and Pedigree Information: BILATERAL CASES:2, UNILATERAL CASES:0, TOTAL CASES:2, PEDIGREES:2. ACMG Codes Applied:PVS1, PM2

Literature cited by the submitters: PubMed 16199547 (cited by Labcorp Genetics (formerly Invitae), Labcorp); PubMed 17096365 (cited by Labcorp Genetics (formerly Invitae), Labcorp); PubMed 12541220 (cited by Labcorp Genetics (formerly Invitae), Labcorp).